The following is an entry in ClinVar:

NM_005458.8(GABBR2):c.33GCC[8] (p.Pro19_Pro20dup)

Gene: GABBR2 (gamma-aminobutyric acid type B receptor subunit 2; minus strand). Cytogenetic location: 9q22.33.
Variant type: Microsatellite.
Coding change: c.33GCC[8] on transcript NM_005458.8 (MANE Select); eight copies in a row of the 3-base unit GCC starting at c.33; the reference has six copies in a row; two copies, 6 bases duplicated.
Protein change: p.Pro19_Pro20dup.
Molecular consequence: inframe insertion.
Genome position (GRCh38, 1-based): chr9:98,708,688-98,708,693, GGCGGC duplicated on the plus strand (GCCGCC on the coding strand, the reverse complement: GABBR2 is on the minus strand); duplicating any 6 consecutive bases within chr9:98,708,688-98,708,705 gives the same sequence; the position shown is the placement nearest the transcript's 3' end. VCF-style (leftmost placement, unchanged base first): chr9-98708687-T-TGGCGGC. GRCh37 (hg19) VCF-style: chr9-101470969-T-TGGCGGC.
Identifiers: ClinVar variation 846247 (VCV000846247.26), dbSNP rs751111546, ClinGen allele CA589582915.
Genomic context (GRCh38, chr9:98,708,687, plus strand): 5'-GGGCGCCAGAGGCAGCAGCAGCGGCAGCAGCAGTAGCAGTAGCAGGCGCGCGGGCGGCGG[T>TGGCGGC]GGCGGCGGCGGCGGCGGCCCGGGCTGCCCGGAGCTCCGCGGGGAAGCCATGCCGCGCCGC-3'

ClinVar aggregate classification (germline): Likely benign. Review status: criteria provided, multiple submitters, no conflicts (2 of 4 stars). 2 submissions from 2 submitters: Likely benign (2). Last evaluated 2025-10-10.

Conditions:
Epileptic encephalopathy. Identifiers: MedGen C0543888, HP:0200134.

Submissions (2):

Labcorp Genetics (formerly Invitae), Labcorp
Classification: Likely benign for Epileptic encephalopathy. Last evaluated: 2025-10-10. Review status: criteria provided, single submitter. Criteria: Invitae Variant Classification Sherloc (09022015). Collection method: clinical testing. Allele origin: germline.

CeGaT Center for Human Genetics Tuebingen
Classification: Likely benign. Last evaluated: 2024-07-01. Review status: criteria provided, single submitter. Criteria: CeGaT Center For Human Genetics Tuebingen Variant Classification Criteria Version 2. Collection method: clinical testing. Allele origin: germline. Affected: yes. Observed: 1 variant allele.
Comment: GABBR2: BS1